The following is an entry in ClinVar:

ClinVar aggregate classification (germline): Conflicting classifications of pathogenicity. Review status: criteria provided, conflicting classifications (1 of 4 stars). 2 submissions from 2 submitters: Uncertain significance (1); Likely benign (1). Last evaluated 2023-09-10.

Allele frequency attached by ClinVar (database versions not stated): gnomAD 0.00003; gnomAD exomes 0.00003; TOPMed 0.00004; ExAC 0.00005; ESP Exome Variant Server 0.00008.
gnomAD v4.1: 54 of 1,613,700 alleles (0.0033%); highest among the groups gnomAD compares: Middle Eastern, 0.016%; 1 homozygote.

Submissions (2):

Labcorp Genetics (formerly Invitae), Labcorp
Classification: Uncertain significance. Last evaluated: 2023-09-10. Review status: criteria provided, single submitter. Criteria: Invitae Variant Classification Sherloc (09022015). Collection method: clinical testing. Allele origin: germline.
Comment: This sequence change replaces glycine, which is neutral and non-polar, with aspartic acid, which is acidic and polar, at codon 3234 of the FAT2 protein (p.Gly3234Asp). In summary, the available evidence is currently insufficient to determine the role of this variant in disease. Therefore, it has been classified as a Variant of Uncertain Significance. Advanced modeling of protein sequence and biophysical properties (such as structural, functional, and spatial information, amino acid conservation, physicochemical variation, residue mobility, and thermodynamic stability) performed at Invitae indicates that this missense variant is expected to disrupt FAT2 protein function. ClinVar contains an entry for this variant (Variation ID: 1879637). This variant has not been reported in the literature in individuals affected with FAT2-related conditions. This variant is present in population databases (rs369725513, gnomAD 0.009%).

CeGaT Center for Human Genetics Tuebingen
Classification: Likely benign. Last evaluated: 2022-12-01. Review status: criteria provided, single submitter. Criteria: CeGaT Center For Human Genetics Tuebingen Variant Classification Criteria Version 2. Collection method: clinical testing. Allele origin: germline. Affected: yes. Observed: 1 variant allele.
Comment: FAT2: BP4, BS1

NM_001447.3(FAT2):c.9701G>A (p.Gly3234Asp)

Genes: FAT2 (FAT atypical cadherin 2; minus strand), SLC36A1 (solute carrier family 36 member 1; plus strand). Cytogenetic location: 5q33.1.
Variant type: single nucleotide variant.
Coding change: c.9701G>A on transcript NM_001447.3 (MANE Select); coding-DNA position 9701, G replaced by A.
Protein change: p.Gly3234Asp; replaces glycine 3234 with aspartic acid.
Molecular consequence: missense variant.
Genome position (GRCh38, 1-based): chr5:151,531,697, C>T on the plus strand (G>A on the coding strand, the complement: FAT2 is on the minus strand). VCF-style: chr5-151531697-C-T. GRCh37 (hg19) VCF-style: chr5-150911258-C-T.
Other names: short protein forms G3234D.
Identifiers: ClinVar variation 1879637 (VCV001879637.32), dbSNP rs369725513, ClinGen allele CA3520483.